The following is an entry in ClinVar:

NM_001458.5(FLNC):c.1810C>A (p.Leu604Met)

Gene: FLNC (filamin C; plus strand). Cytogenetic location: 7q32.1.
Variant type: single nucleotide variant.
Coding change: c.1810C>A on transcript NM_001458.5 (MANE Select); coding-DNA position 1810, C replaced by A.
Protein change: p.Leu604Met; replaces leucine 604 with methionine.
Molecular consequence: missense variant.
Genome position (GRCh38, 1-based): chr7:128,840,967, C>A. VCF-style: chr7-128840967-C-A. GRCh37 (hg19) VCF-style: chr7-128481021-C-A.
Other names: c.1810C>A, p.Leu604Met (NM_001127487.2); short protein forms L604M.
Identifiers: ClinVar variation 2953138 (VCV002953138.3), dbSNP rs1554398303, ClinGen allele CA369227113.
Genomic context (GRCh38, chr7:128,840,967, plus strand): 5'-GGCCAGGTGGGCAAGTCAGCCGATTTTGTGGTGGAAGCCATTGGCACCGAGGTGGGGACA[C>A]TGGGTAAGTGGCTGGGGGGCAGGAGGAGGGAGTGCTGCGGGGGAGGGCAGCAGGGGACAC-3'
Protein context (NP_001449.3, residues 594-614): VEAIGTEVGT[Leu604Met]GFSIEGPSQA

ClinVar aggregate classification (germline): Uncertain significance (1 of 4 stars; one submission).

Conditions:
Hypertrophic cardiomyopathy 26. Also called: Cardiomyopathy, familial hypertrophic, 26. Identifiers: Orphanet 75249, MedGen C4310749, MONDO:0014883, OMIM 617047.
Myofibrillar myopathy 5. Also called: Filaminopathy (type); FILAMINOPATHY, AUTOSOMAL DOMINANT. Identifiers: Orphanet 171445, MedGen C1836050, MONDO:0012289, OMIM 609524.
Distal myopathy with posterior leg and anterior hand involvement. Also called: WILLIAMS DISTAL MYOPATHY. Identifiers: Orphanet 63273, MedGen C3279722, MONDO:0013550, OMIM 614065.

Submission:

Labcorp Genetics (formerly Invitae), Labcorp
Classification: Uncertain significance for Distal myopathy with posterior leg and anterior hand involvement; Myofibrillar myopathy 5; Hypertrophic cardiomyopathy 26. Last evaluated: 2023-10-22. Review status: criteria provided, single submitter. Criteria: Invitae Variant Classification Sherloc (09022015). Collection method: clinical testing. Allele origin: germline.
Comment: This sequence change replaces leucine, which is neutral and non-polar, with methionine, which is neutral and non-polar, at codon 604 of the FLNC protein (p.Leu604Met). This variant is not present in population databases (gnomAD no frequency). This variant has not been reported in the literature in individuals affected with FLNC-related conditions. Advanced modeling of protein sequence and biophysical properties (such as structural, functional, and spatial information, amino acid conservation, physicochemical variation, residue mobility, and thermodynamic stability) has been performed at Invitae for this missense variant, however the output from this modeling did not meet the statistical confidence thresholds required to predict the impact of this variant on FLNC protein function. In summary, the available evidence is currently insufficient to determine the role of this variant in disease. Therefore, it has been classified as a Variant of Uncertain Significance.